The following is an entry in ClinVar:

NM_000271.5(NPC1):c.1819C>A (p.Arg607=)

Gene: NPC1 (NPC intracellular cholesterol transporter 1; minus strand). Cytogenetic location: 18q11.2.
Variant type: single nucleotide variant.
Coding change: c.1819C>A on transcript NM_000271.5 (MANE Select); coding-DNA position 1819, C replaced by A.
Protein change: p.Arg607=; no amino-acid change (arginine 607 retained).
Molecular consequence: synonymous variant.
Genome position (GRCh38, 1-based): chr18:23,545,088, G>T on the plus strand (C>A on the coding strand, the complement: NPC1 is on the minus strand). VCF-style: chr18-23545088-G-T. GRCh37 (hg19) VCF-style: chr18-21125052-G-T.
Identifiers: ClinVar variation 501524 (VCV000501524.18), dbSNP rs377130051, ClinGen allele CA8913364.

ClinVar aggregate classification (germline): Conflicting classifications of pathogenicity. Review status: criteria provided, conflicting classifications (1 of 4 stars). 5 submissions from 5 submitters: Uncertain significance (1); Likely benign (3). 1 of the submissions does not count toward it. Last evaluated 2026-01-12.

Conditions:
Niemann-Pick disease, type C1. Also called: NEUROVISCERAL STORAGE DISEASE WITH VERTICAL SUPRANUCLEAR OPHTHALMOPLEGIA; NIEMANN-PICK DISEASE WITH CHOLESTEROL ESTERIFICATION BLOCK; NIEMANN-PICK DISEASE WITHOUT SPHINGOMYELINASE DEFICIENCY; NIEMANN-PICK DISEASE, CHRONIC NEURONOPATHIC FORM; NIEMANN-PICK DISEASE, VARIANT TYPE C1. Identifiers: Orphanet 646, MedGen C3179455, MONDO:0009757, OMIM 257220.
NPC1-related disorder. Also called: NPC1-related condition.

Allele frequency attached by ClinVar (database versions not stated): TOPMed 0.00014; ESP Exome Variant Server 0.00015; ExAC 0.00002; gnomAD exomes 0.00002.
gnomAD v4.1: 32 of 1,612,266 alleles (0.002%); highest among the groups gnomAD compares: African/African-American, 0.035%; no homozygotes.

Submissions (5):

Labcorp Genetics (formerly Invitae), Labcorp
Classification: Likely benign for Niemann-Pick disease, type C1. Last evaluated: 2026-01-12. Review status: criteria provided, single submitter. Criteria: Invitae Variant Classification Sherloc (09022015). Collection method: clinical testing. Allele origin: germline.

PreventionGenetics, part of Exact Sciences
Classification: Likely benign for NPC1-related condition. Last evaluated: 2025-05-22. Review status: criteria provided, single submitter. Criteria: ACMG Guidelines, 2015. Collection method: clinical testing. Allele origin: germline.
Comment: This variant is classified as likely benign based on ACMG/AMP sequence variant interpretation guidelines (Richards et al. 2015 PMID: 25741868, with internal and published modifications).

Blueprint Genetics
Classification: Likely benign. Last evaluated: 2023-07-27. Review status: criteria provided, single submitter. Criteria: ACMG Guidelines, 2015. Collection method: clinical testing. Allele origin: germline.

Eurofins Ntd Llc (ga)
Classification: Uncertain significance. Last evaluated: 2017-04-18. Review status: criteria provided, single submitter. Criteria: EGL Classification Definitions 2015. Collection method: clinical testing. Allele origin: germline. Observed: 4 variant alleles, 4 heterozygotes.

Natera, Inc.
Classification: Uncertain significance for Niemann-Pick disease type C1. Last evaluated: 2019-10-28. Review status: no assertion criteria provided. Collection method: clinical testing. Allele origin: germline. Not counted in ClinVar's aggregate classification.